The following is an entry in ClinVar:

ClinVar aggregate classification (germline): Uncertain significance. Review status: criteria provided, multiple submitters, no conflicts (2 of 4 stars). 2 submissions from 2 submitters: Uncertain significance (2). Last evaluated 2026-01-07.

Conditions:
FOCAD-related disorder. Also called: FOCAD-related condition.

gnomAD v4.1: 17 of 1,612,796 alleles (0.0011%); highest among the groups gnomAD compares: Admixed American, 0.0033%; no homozygotes.

Submissions (2):

PreventionGenetics, part of Exact Sciences
Classification: Uncertain significance for FOCAD-related condition. Last evaluated: 2026-01-07. Review status: criteria provided, single submitter. Criteria: ACMG Guidelines, 2015. Collection method: clinical testing. Allele origin: germline.
Comment: The FOCAD c.1934G>A variant is predicted to result in the amino acid substitution p.Arg645His. To our knowledge, this variant has not been reported in the literature. This variant is reported in 0.0058% of alleles in individuals of Latino descent in gnomAD and at the time of reporting was not present in ClinVar. At this time, the clinical significance of this variant is uncertain due to the absence of conclusive functional and genetic evidence.

Labcorp Genetics (formerly Invitae), Labcorp
Classification: Uncertain significance. Last evaluated: 2025-11-03. Review status: criteria provided, single submitter. Criteria: Invitae Variant Classification Sherloc (09022015). Collection method: clinical testing. Allele origin: germline.
Comment: This sequence change replaces arginine, which is basic and polar, with histidine, which is basic and polar, at codon 645 of the FOCAD protein (p.Arg645His). This variant is present in population databases (rs767440130, gnomAD 0.006%). This variant has not been reported in the literature in individuals affected with FOCAD-related conditions. Experimental studies and prediction algorithms are not available or were not evaluated, and the functional significance of this variant is currently unknown. In summary, the available evidence is currently insufficient to determine the role of this variant in disease. Therefore, it has been classified as a Variant of Uncertain Significance.

NM_001375567.1(FOCAD):c.1934G>A (p.Arg645His)

Gene: FOCAD (focadhesin; plus strand). Cytogenetic location: 9p21.3.
Variant type: single nucleotide variant.
Coding change: c.1934G>A on transcript NM_001375567.1 (MANE Select); coding-DNA position 1934, G replaced by A.
Protein change: p.Arg645His; replaces arginine 645 with histidine.
Molecular consequence: missense variant.
Genome position (GRCh38, 1-based): chr9:20,862,591, G>A. VCF-style: chr9-20862591-G-A. GRCh37 (hg19) VCF-style: chr9-20862590-G-A.
Other names: c.1934G>A (NM_017794.4); c.1829G>A, p.Arg610His (NM_001375568.1, NM_001375570.1); c.1934G>A, p.Arg645His (NM_017794.5); short protein forms R610H, R645H.
Identifiers: ClinVar variation 4742246 (VCV004742246.2).